The following is an entry in ClinVar:

NM_001291303.3(FAT4):c.7244C>T (p.Ser2415Leu)

Gene: FAT4 (FAT atypical cadherin 4; plus strand). Cytogenetic location: 4q28.1.
Variant type: single nucleotide variant.
Coding change: c.7244C>T on transcript NM_001291303.3 (MANE Select); coding-DNA position 7244, C replaced by T.
Protein change: p.Ser2415Leu; replaces serine 2415 with leucine.
Molecular consequence: missense variant.
Genome position (GRCh38, 1-based): chr4:125,446,337, C>T. VCF-style: chr4-125446337-C-T. GRCh37 (hg19) VCF-style: chr4-126367492-C-T.
Other names: c.7244C>T, p.Ser2415Leu (NM_001291285.3); c.7238C>T, p.Ser2413Leu (NM_024582.6); short protein forms S2413L, S2415L.
Identifiers: ClinVar variation 1955040 (VCV001955040.5), dbSNP rs767319999, ClinGen allele CA3073147.

ClinVar aggregate classification (germline): Uncertain significance (1 of 4 stars; one submission).

Allele frequency attached by ClinVar (database versions not stated): gnomAD exomes below 0.00001; ExAC 0.00001.
gnomAD v4.1: 2 of 1,613,086 alleles (0.00012%); highest among the groups gnomAD compares: African/African-American, 0.0013%; no homozygotes.

Submission:

Labcorp Genetics (formerly Invitae), Labcorp
Classification: Uncertain significance. Last evaluated: 2024-01-20. Review status: criteria provided, single submitter. Criteria: Invitae Variant Classification Sherloc (09022015). Collection method: clinical testing. Allele origin: germline.
Comment: This sequence change replaces serine, which is neutral and polar, with leucine, which is neutral and non-polar, at codon 2413 of the FAT4 protein (p.Ser2413Leu). This variant is present in population databases (rs767319999, gnomAD 0.006%). This variant has not been reported in the literature in individuals affected with FAT4-related conditions. ClinVar contains an entry for this variant (Variation ID: 1955040). Advanced modeling of protein sequence and biophysical properties (such as structural, functional, and spatial information, amino acid conservation, physicochemical variation, residue mobility, and thermodynamic stability) performed at Invitae indicates that this missense variant is not expected to disrupt FAT4 protein function with a negative predictive value of 80%. In summary, the available evidence is currently insufficient to determine the role of this variant in disease. Therefore, it has been classified as a Variant of Uncertain Significance.